The following is an entry in ClinVar:

ClinVar aggregate classification (germline): Likely benign. Review status: criteria provided, single submitter (1 of 4 stars). 2 submissions from 2 submitters: Likely benign (1). 1 of the submissions does not count toward it. Last evaluated 2025-10-22.

Conditions:
SLC18A3-related disorder. Also called: SLC18A3-related condition.

Allele frequency attached by ClinVar (database versions not stated): 1000 Genomes Project 30x 0.00094; gnomAD 0.00010; TOPMed 0.00006; 1000 Genomes Project 0.00080.
gnomAD v4.1: 126 of 1,611,718 alleles (0.0078%); highest among the groups gnomAD compares: Middle Eastern, 0.099%; no homozygotes.

Submissions (2):

Labcorp Genetics (formerly Invitae), Labcorp
Classification: Likely benign. Last evaluated: 2025-10-22. Review status: criteria provided, single submitter. Criteria: Invitae Variant Classification Sherloc (09022015). Collection method: clinical testing. Allele origin: germline.

PreventionGenetics, part of Exact Sciences
Classification: Uncertain significance for SLC18A3-related condition. Last evaluated: 2024-06-10. Review status: no assertion criteria provided. Collection method: clinical testing. Allele origin: germline. Not counted in ClinVar's aggregate classification.
Comment: The SLC18A3 c.924C>A variant is not predicted to result in an amino acid change (p.=). This variant is not predicted to have a significant impact on splicing; however, this is based on computational modeling and the impact of this variant has not been functionally validated (SpliceAI, Jaganathan et al. 2019. PubMed ID: 30661751). To our knowledge, this variant has not been reported in the literature. This variant is reported in 0.017% of alleles in individuals of Latino descent in gnomAD. Although we suspect that this variant may be benign, at this time, the clinical significance of this variant is uncertain due to the absence of conclusive functional and genetic evidence.

NM_003055.3(SLC18A3):c.924C>A (p.Leu308=)

Genes: CHAT (choline O-acetyltransferase; plus strand), SLC18A3 (solute carrier family 18 member A3; plus strand). Cytogenetic location: 10q11.23.
Variant type: single nucleotide variant.
Coding change: c.924C>A on transcript NM_003055.3 (MANE Select); coding-DNA position 924, C replaced by A.
Protein change: p.Leu308=; no amino-acid change (leucine 308 retained).
Molecular consequence: synonymous variant. On other transcripts: intron variant (1).
Genome position (GRCh38, 1-based): chr10:49,611,664, C>A. VCF-style: chr10-49611664-C-A. GRCh37 (hg19) VCF-style: chr10-50819710-C-A.
Other names: c.-69+2465C>A (NM_020984.4).
Identifiers: ClinVar variation 725982 (VCV000725982.11), dbSNP rs200094927, ClinGen allele CA5496872.
Genomic context (GRCh38, chr10:49,611,664, plus strand): 5'-CCCCTACATTGCCGTGGTGGCCGGCGCGCTCACCACCTGTAACATTCCCCTCGCCTTCCT[C>A]GAACCCACCATTGCCACGTGGATGAAGCATACGATGGCGGCTTCCGAGTGGGAGATGGGC-3'
Protein context (NP_003046.2, residues 298-318): LTTCNIPLAF[Leu308=]EPTIATWMKH